The following is an entry in ClinVar:

ClinVar aggregate classification (germline): Uncertain significance (1 of 4 stars; one submission).

Allele frequency attached by ClinVar (database versions not stated): ESP Exome Variant Server 0.00008; TOPMed 0.00008; gnomAD 0.00009.
gnomAD v4.1: 30 of 1,612,770 alleles (0.0019%); highest among the groups gnomAD compares: African/African-American, 0.027%; no homozygotes.

Submission:

Labcorp Genetics (formerly Invitae), Labcorp
Classification: Uncertain significance. Last evaluated: 2022-11-01. Review status: criteria provided, single submitter. Criteria: Invitae Variant Classification Sherloc (09022015). Collection method: clinical testing. Allele origin: germline.
Comment: This sequence change replaces glycine, which is neutral and non-polar, with arginine, which is basic and polar, at codon 618 of the COL18A1 protein (p.Gly618Arg). This variant is present in population databases (rs368967629, gnomAD 0.01%). This variant has not been reported in the literature in individuals affected with COL18A1-related conditions. ClinVar contains an entry for this variant (Variation ID: 1391027). Experimental studies and prediction algorithms are not available or were not evaluated, and the functional significance of this variant is currently unknown. In summary, the available evidence is currently insufficient to determine the role of this variant in disease. Therefore, it has been classified as a Variant of Uncertain Significance.

NM_001379500.1(COL18A1):c.1852G>A (p.Gly618Arg)

Gene: COL18A1 (collagen type XVIII alpha 1 chain; plus strand). Cytogenetic location: 21q22.3.
Variant type: single nucleotide variant.
Coding change: c.1852G>A on transcript NM_001379500.1 (MANE Select); coding-DNA position 1852, G replaced by A.
Protein change: p.Gly618Arg; replaces glycine 618 with arginine.
Molecular consequence: missense variant.
Genome position (GRCh38, 1-based): chr21:45,487,465, G>A. VCF-style: chr21-45487465-G-A. GRCh37 (hg19) VCF-style: chr21-46907379-G-A.
Other names: c.2392G>A, p.Gly798Arg (NM_030582.4); c.3097G>A, p.Gly1033Arg (NM_130444.3); short protein forms G1033R, G798R, G618R.
Identifiers: ClinVar variation 1391027 (VCV001391027.3), dbSNP rs368967629, ClinGen allele CA10066577.